The following is an entry in ClinVar:

NM_002241.5(KCNJ10):c.133G>A (p.Ala45Thr)

Gene: KCNJ10 (potassium inwardly rectifying channel subfamily J member 10; minus strand). Cytogenetic location: 1q23.2.
Variant type: single nucleotide variant.
Coding change: c.133G>A on transcript NM_002241.5 (MANE Select); coding-DNA position 133, G replaced by A.
Protein change: p.Ala45Thr; replaces alanine 45 with threonine.
Molecular consequence: missense variant.
Genome position (GRCh38, 1-based): chr1:160,042,400, C>T on the plus strand (G>A on the coding strand, the complement: KCNJ10 is on the minus strand). VCF-style: chr1-160042400-C-T. GRCh37 (hg19) VCF-style: chr1-160012190-C-T.
Other names: short protein forms A45T.
Identifiers: ClinVar variation 470191 (VCV000470191.19), dbSNP rs750246232, ClinGen allele CA1193292.

ClinVar aggregate classification (germline): Uncertain significance. Review status: criteria provided, multiple submitters, no conflicts (2 of 4 stars). 6 submissions from 6 submitters: Uncertain significance (6). Last evaluated 2026-05-05.

Conditions:
KCNJ10-related disorder. Also called: KCNJ10-related disorders; KCNJ10-related condition. Identifiers: MedGen CN239321.
Inborn genetic diseases. Identifiers: MedGen C0950123, MeSH D030342.
Autosomal recessive nonsyndromic hearing loss 4 (DFNB4). Also called: Enlarged vestibular aqueduct, digenic; FOXI1-Related Pendred Syndrome; KCNJ10-Related Pendred Syndrome; NEUROSENSORY NONSYNDROMIC RECESSIVE DEAFNESS 4; DEAFNESS, AUTOSOMAL RECESSIVE 4, WITH ENLARGED VESTIBULAR AQUEDUCT, DIGENIC; Nonsyndromic enlarged vestibular aqueduct (NSEVA). Identifiers: Orphanet 90636, MedGen C3538946, MONDO:0010933, OMIM 600791.
EAST syndrome (SESAMES). Also called: SEIZURES, SENSORINEURAL DEAFNESS, ATAXIA, IMPAIRED INTELLECTUAL DEVELOPMENT, AND ELECTROLYTE IMBALANCE. Identifiers: Orphanet 199343, MedGen C2748572, MONDO:0013005, OMIM 612780.
Pendred syndrome (PDS). Also called: GOITER-DEAFNESS SYNDROME; HYPOTHYROIDISM, CONGENITAL, DUE TO DYSHORMONOGENESIS, 2B; THYROID DYSHORMONOGENESIS 2B; THYROID HORMONOGENESIS, GENETIC DEFECT IN, 2B; DEAFNESS WITH GOITER; Pendred's syndrome. Identifiers: Orphanet 705, MedGen C0271829, MONDO:0010134, OMIM 274600.

Allele frequency attached by ClinVar (database versions not stated): gnomAD 0.00001; gnomAD exomes 0.00002 and 0.00004; TOPMed 0.00002; ExAC 0.00003.

Submissions (6):

PreventionGenetics, part of Exact Sciences
Classification: Uncertain significance for KCNJ10-related condition. Last evaluated: 2026-05-05. Review status: criteria provided, single submitter. Criteria: ACMG Guidelines, 2015. Collection method: clinical testing. Allele origin: germline.
Comment: The KCNJ10 c.133G>A variant is predicted to result in the amino acid substitution p.Ala45Thr. To our knowledge, this variant has not been reported in the literature. This variant is reported in 0.028% of alleles in individuals of Latino descent in gnomAD. At this time, the clinical significance of this variant is uncertain due to the absence of conclusive functional and genetic evidence.

Labcorp Genetics (formerly Invitae), Labcorp
Classification: Uncertain significance for EAST syndrome. Last evaluated: 2026-01-12. Review status: criteria provided, single submitter. Criteria: Invitae Variant Classification Sherloc (09022015). Collection method: clinical testing. Allele origin: germline.
Comment: This sequence change replaces alanine, which is neutral and non-polar, with threonine, which is neutral and polar, at codon 45 of the KCNJ10 protein (p.Ala45Thr). This variant is present in population databases (rs750246232, gnomAD 0.03%). This variant has not been reported in the literature in individuals affected with KCNJ10-related conditions. ClinVar contains an entry for this variant (Variation ID: 470191). Invitae Evidence Modeling of protein sequence and biophysical properties (such as structural, functional, and spatial information, amino acid conservation, physicochemical variation, residue mobility, and thermodynamic stability) indicates that this missense variant is not expected to disrupt KCNJ10 protein function with a negative predictive value of 95%. In summary, the available evidence is currently insufficient to determine the role of this variant in disease. Therefore, it has been classified as a Variant of Uncertain Significance.

GeneDx
Classification: Uncertain significance. Last evaluated: 2024-01-19. Review status: criteria provided, single submitter. Criteria: GeneDx Variant Classification Process June 2021. Collection method: clinical testing. Allele origin: germline. Affected: yes.
Comment: In silico analysis supports that this missense variant does not alter protein structure/function; Has not been previously published as pathogenic or benign to our knowledge

Fulgent Genetics
Classification: Uncertain significance for Pendred syndrome; Autosomal recessive nonsyndromic hearing loss 4; EAST syndrome. Last evaluated: 2022-05-08. Review status: criteria provided, single submitter. Criteria: ACMG Guidelines, 2015. Collection method: clinical testing. Allele origin: unknown.

Baylor Genetics
Classification: Uncertain significance for EAST syndrome. Last evaluated: 2022-04-26. Review status: criteria provided, single submitter. Criteria: ACMG Guidelines, 2015. Collection method: clinical testing. Allele origin: unknown.

Ambry Genetics
Classification: Uncertain significance for Inborn genetic diseases. Last evaluated: 2020-01-24. Review status: criteria provided, single submitter. Criteria: Ambry Variant Classification Scheme 2023. Collection method: clinical testing. Allele origin: germline.
Comment: The p.A45T variant (also known as c.133G>A), located in coding exon 1 of the KCNJ10 gene, results from a G to A substitution at nucleotide position 133. The alanine at codon 45 is replaced by threonine, an amino acid with similar properties. This amino acid position is well conserved in available vertebrate species. In addition, the in silico prediction for this alteration is inconclusive. Since supporting evidence is limited at this time, the clinical significance of this alteration remains unclear.